The following is an entry in ClinVar:

ClinVar aggregate classification (germline): Uncertain significance (1 of 4 stars; one submission).

Conditions:
Nephronophthisis. Also called: Juvenile Nephronophthisis. Identifiers: Orphanet 655, MedGen C0687120, MONDO:0019005, HP:0000090.

gnomAD v4.1: 1 of 1,608,556 alleles (0.000062%); highest among the groups gnomAD compares: Non-Finnish European, 0.000085%; no homozygotes.

Submission:

Labcorp Genetics (formerly Invitae), Labcorp
Classification: Uncertain significance for Nephronophthisis. Last evaluated: 2024-09-20. Review status: criteria provided, single submitter. Criteria: Invitae Variant Classification Sherloc (09022015). Collection method: clinical testing. Allele origin: germline.
Comment: This sequence change replaces alanine, which is neutral and non-polar, with glycine, which is neutral and non-polar, at codon 506 of the NPHP1 protein (p.Ala506Gly). This variant is not present in population databases (gnomAD no frequency). This variant has not been reported in the literature in individuals affected with NPHP1-related conditions. Invitae Evidence Modeling of protein sequence and biophysical properties (such as structural, functional, and spatial information, amino acid conservation, physicochemical variation, residue mobility, and thermodynamic stability) indicates that this missense variant is not expected to disrupt NPHP1 protein function with a negative predictive value of 80%. In summary, the available evidence is currently insufficient to determine the role of this variant in disease. Therefore, it has been classified as a Variant of Uncertain Significance.

NM_001128178.3(NPHP1):c.1349C>G (p.Ala450Gly)

Gene: NPHP1 (nephrocystin 1; minus strand). Cytogenetic location: 2q13.
Variant type: single nucleotide variant.
Coding change: c.1349C>G on transcript NM_001128178.3 (MANE Select); coding-DNA position 1349, C replaced by G.
Protein change: p.Ala450Gly; replaces alanine 450 with glycine.
Molecular consequence: missense variant.
Genome position (GRCh38, 1-based): chr2:110,146,756, G>C on the plus strand (C>G on the coding strand, the complement: NPHP1 is on the minus strand). VCF-style: chr2-110146756-G-C. GRCh37 (hg19) VCF-style: chr2-110904333-G-C.
Other names: c.1517C>G, p.Ala506Gly (NM_000272.5); c.1160C>G, p.Ala387Gly (NM_001128179.3); c.1346C>G, p.Ala449Gly (NM_001374256.1); c.1349C>G, p.Ala450Gly (NM_001374257.1); c.1514C>G, p.Ala505Gly (NM_207181.4); short protein forms A506G, A450G, A387G, A449G, A505G.
Identifiers: ClinVar variation 3690089 (VCV003690089.2).